The following is an entry in ClinVar:

ClinVar aggregate classification (germline): Uncertain significance. Review status: criteria provided, multiple submitters, no conflicts (2 of 4 stars). 10 submissions from 10 submitters: Uncertain significance (7). 3 of the submissions do not count toward it. Last evaluated 2026-04-16.

Conditions:
MVK-related disorder. Also called: MVK-related condition; MVK-related disorders. Identifiers: MedGen CN239294.
Inborn genetic diseases. Identifiers: MedGen C0950123, MeSH D030342.
Porokeratosis 3, disseminated superficial actinic type (POROK3). Also called: POROKERATOSIS, DISSEMINATED SUPERFICIAL ACTINIC, 1; POROKERATOSIS 3, MULTIPLE TYPES; POROKERATOSIS 3, MIBELLI TYPE. Identifiers: MedGen C1867981, MONDO:0008293, OMIM 175900.
Mevalonic aciduria (MEVA). Identifiers: Orphanet 29, MedGen C1959626, MONDO:0012481, OMIM 610377.
Hyperimmunoglobulin D with periodic fever (HIDS). Also called: HYPERIMMUNOGLOBULINEMIA D AND PERIODIC FEVER SYNDROME; Hyperimmunoglobulinemia D with periodic fever; Hyperimmunoglobulinemia D. Identifiers: Orphanet 343, MedGen C0398691, MONDO:0009849, OMIM 260920.

Allele frequency attached by ClinVar (database versions not stated): 1000 Genomes Project 0.00020; ExAC 0.00006; TOPMed 0.00006; gnomAD exomes 0.00010; gnomAD 0.00013; 1000 Genomes Project 30x 0.00016.

Submissions (10):

PreventionGenetics, part of Exact Sciences
Classification: Uncertain significance for MVK-related condition. Last evaluated: 2026-04-16. Review status: criteria provided, single submitter. Criteria: ACMG Guidelines, 2015. Collection method: clinical testing. Allele origin: germline.
Comment: The MVK c.877G>A variant is predicted to result in the amino acid substitution p.Val293Met. This variant has been reported in an individual with Behçet disease (Burillo-Sanz et al. 2017. PubMed ID: 28814775). This variant is reported in 0.052% of alleles in individuals of Latino descent in gnomAD. At this time, the clinical significance of this variant is uncertain due to the absence of conclusive functional and genetic evidence.

Labcorp Genetics (formerly Invitae), Labcorp
Classification: Uncertain significance for Mevalonic aciduria; Hyperimmunoglobulin D with periodic fever; Porokeratosis 3, disseminated superficial actinic type. Last evaluated: 2025-02-02. Review status: criteria provided, single submitter. Criteria: Invitae Variant Classification Sherloc (09022015). Collection method: clinical testing. Allele origin: germline.
Comment: This sequence change replaces valine, which is neutral and non-polar, with methionine, which is neutral and non-polar, at codon 293 of the MVK protein (p.Val293Met). This variant is present in population databases (rs104895356, gnomAD 0.05%). This missense change has been observed in individual(s) with clinical features of Hyper IgD Syndrome (PMID: 28814775, 31664448). ClinVar contains an entry for this variant (Variation ID: 97636). An algorithm developed to predict the effect of missense changes on protein structure and function outputs the following: PolyPhen-2: "Benign". The methionine amino acid residue is found in multiple mammalian species, which suggests that this missense change does not adversely affect protein function. In summary, the available evidence is currently insufficient to determine the role of this variant in disease. Therefore, it has been classified as a Variant of Uncertain Significance.

Blueprint Genetics
Classification: Uncertain significance. Last evaluated: 2024-01-17. Review status: criteria provided, single submitter. Criteria: ACMG Guidelines, 2015. Collection method: clinical testing. Allele origin: germline.

Women's Health and Genetics/Laboratory Corporation of America, LabCorp
Classification: Uncertain significance. Last evaluated: 2024-01-15. Review status: criteria provided, single submitter. Criteria: LabCorp Variant Classification Summary - May 2015. Collection method: clinical testing. Allele origin: germline.
Comment: Variant summary: MVK c.877G>A (p.Val293Met) results in a conservative amino acid change in the encoded protein sequence. Three of five in-silico tools predict a benign effect of the variant on protein function. The variant allele was found at a frequency of 0.0001 in 251270 control chromosomes. This frequency is not significantly higher than estimated for a pathogenic variant in MVK causing Mevalonic aciduria (0.0001 vs 0.0011), allowing no conclusion about variant significance. c.877G>A has been reported in the literature in individuals affected with Mevalonic aciduria, hereditary autoinflammatory disorders or Behets disease (Rigante_2014, Burillo-Sanz_2017, McCreary_2019, Boursier_2021). These reports do not provide unequivocal conclusions about association of the variant with Mevalonic aciduria. To our knowledge, no experimental evidence demonstrating an impact on protein function has been reported. The following publications have been ascertained in the context of this evaluation (PMID: 19120372, 33917151, 28814775, 31664448, 25149390). ClinVar contains an entry for this variant (Variation ID: 97636). Based on the evidence outlined above, the variant was classified as uncertain significance.

Fulgent Genetics
Classification: Uncertain significance for Porokeratosis 3, disseminated superficial actinic type; Hyperimmunoglobulin D with periodic fever; Mevalonic aciduria. Last evaluated: 2022-04-27. Review status: criteria provided, single submitter. Criteria: ACMG Guidelines, 2015. Collection method: clinical testing. Allele origin: unknown.

Ambry Genetics
Classification: Uncertain significance for Inborn genetic diseases. Last evaluated: 2021-12-07. Review status: criteria provided, single submitter. Criteria: Ambry Variant Classification Scheme 2023. Collection method: clinical testing. Allele origin: germline.

Breakthrough Genomics
Classification: Uncertain significance. Review status: criteria provided, single submitter. Criteria: ACMG Guidelines, 2015. Collection method: not provided. Allele origin: germline. Inheritance: Autosomal recessive inheritance. Affected: yes.

Clinical Genetics DNA and cytogenetics Diagnostics Lab, Erasmus MC, Erasmus Medical Center
Classification: Uncertain significance. Review status: no assertion criteria provided. Collection method: clinical testing. Allele origin: germline. Affected: yes. Study: VKGL Data-share Consensus. Not counted in ClinVar's aggregate classification.

Genome Diagnostics Laboratory, University Medical Center Utrecht
Classification: Uncertain significance. Review status: no assertion criteria provided. Collection method: clinical testing. Allele origin: germline. Affected: yes. Study: VKGL Data-share Consensus. Not counted in ClinVar's aggregate classification.

Unité médicale des maladies autoinflammatoires, CHRU Montpellier
No classification provided. Condition: Hyperimmunoglobulin D with periodic fever. Review status: no classification provided. Collection method: not provided. Allele origin: unknown. Not counted in ClinVar's aggregate classification.
Comment: also involved in OMIM 25117

Literature cited by the submitters: PubMed 28814775 (cited by Labcorp Genetics (formerly Invitae), Labcorp and Women's Health and Genetics/Laboratory Corporation of America, LabCorp); PubMed 31664448 (cited by Labcorp Genetics (formerly Invitae), Labcorp and Women's Health and Genetics/Laboratory Corporation of America, LabCorp); PubMed 33917151 (cited by Women's Health and Genetics/Laboratory Corporation of America, LabCorp); PubMed 19120372 (cited by Women's Health and Genetics/Laboratory Corporation of America, LabCorp); PubMed 25149390 (cited by Women's Health and Genetics/Laboratory Corporation of America, LabCorp).

NM_000431.4(MVK):c.877G>A (p.Val293Met)

Gene: MVK (mevalonate kinase; plus strand). Cytogenetic location: 12q24.11.
Variant type: single nucleotide variant.
Coding change: c.877G>A on transcript NM_000431.4 (MANE Select); coding-DNA position 877, G replaced by A.
Protein change: p.Val293Met; replaces valine 293 with methionine.
Molecular consequence: missense variant.
Genome position (GRCh38, 1-based): chr12:109,591,349, G>A. VCF-style: chr12-109591349-G-A. GRCh37 (hg19) VCF-style: chr12-110029154-G-A.
Other names: c.877G>A (NM_000431.3, NM_000431.2); c.877G>A, p.Val293Met (NM_001114185.3); c.721G>A, p.Val241Met (NM_001301182.2); short protein forms V293M, V241M.
Identifiers: ClinVar variation 97636 (VCV000097636.16), dbSNP rs104895356, ClinGen allele CA149925.